The following is an entry in ClinVar:

ClinVar aggregate classification (germline): Likely benign. Review status: criteria provided, single submitter (1 of 4 stars). 2 submissions from 2 submitters: Likely benign (1). 1 of the submissions does not count toward it. Last evaluated 2021-07-29.

Conditions:
GP1BB-related disorder. Also called: GP1BB-related condition.

Allele frequency attached by ClinVar (database versions not stated): gnomAD 0.00001; gnomAD exomes 0.00003; TOPMed 0.00004.
gnomAD v4.1: 37 of 1,244,904 alleles (0.003%); highest among the groups gnomAD compares: Non-Finnish European, 0.0033%; no homozygotes.

Submissions (2):

Blueprint Genetics
Classification: Likely benign. Last evaluated: 2021-07-29. Review status: criteria provided, single submitter. Criteria: ACMG Guidelines, 2015. Collection method: clinical testing. Allele origin: germline.

PreventionGenetics, part of Exact Sciences
Classification: Likely benign for GP1BB-related condition. Last evaluated: 2023-10-12. Review status: no assertion criteria provided. Collection method: clinical testing. Allele origin: germline. Not counted in ClinVar's aggregate classification.
Comment: This variant is classified as likely benign based on ACMG/AMP sequence variant interpretation guidelines (Richards et al. 2015 PMID: 25741868, with internal and published modifications).

NM_000407.5(GP1BB):c.409C>T (p.Leu137=)

Genes: GP1BB (glycoprotein Ib platelet subunit beta; plus strand), SEPT5-GP1BB (SEPT5-GP1BB readthrough; plus strand). Cytogenetic location: 22q11.21.
Variant type: single nucleotide variant.
Coding change: c.409C>T on transcript NM_000407.5 (MANE Select); coding-DNA position 409, C replaced by T.
Protein change: p.Leu137=; no amino-acid change (leucine 137 retained).
Molecular consequence: synonymous variant. On other transcripts: non-coding transcript variant (2).
Genome position (GRCh38, 1-based): chr22:19,724,252, C>T. VCF-style: chr22-19724252-C-T. GRCh37 (hg19) VCF-style: chr22-19711775-C-T.
Identifiers: ClinVar variation 3049342 (VCV003049342.3), dbSNP rs1277516882, ClinGen allele CA513686988.